The following is an entry in ClinVar:

ClinVar aggregate classification (germline): Uncertain significance (1 of 4 stars; one submission).

Conditions:
Hereditary cancer-predisposing syndrome. Also called: Tumor predisposition; Hereditary neoplastic syndrome; Neoplastic Syndromes, Hereditary; Hereditary Cancer Syndrome. Identifiers: Orphanet 140162, MedGen C0027672, MeSH D009386, MONDO:0015356.

gnomAD v4.1: 2 of 1,613,778 alleles (0.00012%); highest among the groups gnomAD compares: South Asian, 0.0011%; no homozygotes.

Submission:

Ambry Genetics
Classification: Uncertain significance for Hereditary cancer-predisposing syndrome. Last evaluated: 2025-05-13. Review status: criteria provided, single submitter. Criteria: Ambry Variant Classification Scheme 2023. Collection method: clinical testing. Allele origin: germline.
Comment: The c.1009-14C>A intronic variant results from a C to A substitution 14 nucleotides upstream from coding exon 8 in the CDH1 gene. This nucleotide position is not well conserved in available vertebrate species. In silico splice site analysis predicts that this alteration will weaken the native splice acceptor site and will result in the creation or strengthening of a novel splice acceptor site; however, direct evidence is insufficient at this time (Ambry internal data). Based on the available evidence, the clinical significance of this variant remains unclear.

NM_004360.5(CDH1):c.1009-14C>A

Gene: CDH1 (cadherin 1; plus strand). Cytogenetic location: 16q22.1.
Variant type: single nucleotide variant.
Coding change: c.1009-14C>A on transcript NM_004360.5 (MANE Select); 14 bases into the intron before coding-DNA position 1009, C replaced by A.
Molecular consequence: intron variant.
Genome position (GRCh38, 1-based): chr16:68,812,121, C>A. VCF-style: chr16-68812121-C-A. GRCh37 (hg19) VCF-style: chr16-68846024-C-A.
Other names: c.-607-14C>A (NM_001317185.2); c.-811-14C>A (NM_001317186.2); c.1009-14C>A (NM_001317184.2).
Identifiers: ClinVar variation 3998772 (VCV003998772.1).